The following is an entry in ClinVar:

NC_000014.8:g.(74951291_74953031)_(74960009_?)dup

Gene: NPC2 (NPC intracellular cholesterol transporter 2; minus strand). Cytogenetic location: 14q24.3.
Variant type: Duplication.
Identifiers: ClinVar variation 4688691 (VCV004688691.1).

ClinVar aggregate classification (germline): Uncertain significance (1 of 4 stars; one submission).

Submission:

Women's Health and Genetics/Laboratory Corporation of America, LabCorp
Classification: Uncertain significance. Last evaluated: 2025-12-01. Review status: criteria provided, single submitter. Criteria: LabCorp Variant Classification Summary - May 2015. Collection method: clinical testing. Allele origin: germline.
Comment: Variant summary: The variant involves the duplication of exons 1-2 in the NPC2 gene. A presumed nomenclature of c.(?_-32)_(190+1_191-1)dup has been designated for the purposes of this classification. The exact breakpoint at the 5' end of this variant is unknown, therefore this duplication may extend upstream of the annotated region of this gene. It is predicted to duplicate a segment including the initiation codon, therefore its impact on the encoded protein is unknown. A similar duplication (size: ~31,000 bp) which encompasses exons 1-2 in the NPC2 gene (and also includes the full coding sequence of the neighboring ISCA2 gene) was found at a frequency of 4.3e-06 in 462883 control chromosomes in the gnomAD database (CNVs v4.1 dataset). The available data on variant occurrences in the general population are insufficient to allow any conclusion about variant significance. To our knowledge, no occurrence of c.(?_-32)_(190+1_191-1)dup in individuals affected with NPC2-related conditions and no experimental evidence demonstrating its impact on protein function have been reported. No submitters have cited clinical-significance assessments for this variant to ClinVar. Based on the evidence outlined above, the variant was classified as uncertain significance.